The following is an entry in ClinVar:

ClinVar aggregate classification (germline): Likely benign (1 of 4 stars; one submission).

Allele frequency attached by ClinVar (database versions not stated): TOPMed 0.00035; gnomAD 0.00064; 1000 Genomes Project 0.00140; 1000 Genomes Project 30x 0.00141.

Submission:

CeGaT Center for Human Genetics Tuebingen
Classification: Likely benign. Last evaluated: 2024-02-01. Review status: criteria provided, single submitter. Criteria: CeGaT Center For Human Genetics Tuebingen Variant Classification Criteria Version 2. Collection method: clinical testing. Allele origin: germline. Affected: yes. Observed: 4 variant alleles.
Comment: TRAPPC9: BS1

NM_001160372.4(TRAPPC9):c.2557-71762G>A

Genes: PEG13 (paternally expressed 13; minus strand), TRAPPC9 (trafficking protein particle complex subunit 9; minus strand). Cytogenetic location: 8q24.3.
Variant type: single nucleotide variant.
Coding change: c.2557-71762G>A on transcript NM_001160372.4 (MANE Select); 71762 bases into the intron before coding-DNA position 2557, G replaced by A.
Molecular consequence: intron variant. On other transcripts: non-coding transcript variant (1).
Genome position (GRCh38, 1-based): chr8:140,095,841, C>T on the plus strand (G>A on the coding strand, the complement: TRAPPC9 is on the minus strand). VCF-style: chr8-140095841-C-T. GRCh37 (hg19) VCF-style: chr8-141105940-C-T.
Other names: c.2557-71762G>A (NM_031466.8, NM_001374683.1); c.2530-71762G>A (NM_001321646.2); c.2413-71762G>A (NM_001374684.1); c.2578-71762G>A (NM_001374682.1).
Identifiers: ClinVar variation 2658858 (VCV002658858.24), dbSNP rs564423099, ClinGen allele CA187245982.